The following is an entry in ClinVar:

NM_006059.4(LAMC3):c.2282C>T (p.Ser761Leu)

Gene: LAMC3 (laminin subunit gamma 3; plus strand). Cytogenetic location: 9q34.12.
Variant type: single nucleotide variant.
Coding change: c.2282C>T on transcript NM_006059.4 (MANE Select); coding-DNA position 2282, C replaced by T.
Protein change: p.Ser761Leu; replaces serine 761 with leucine.
Molecular consequence: missense variant.
Genome position (GRCh38, 1-based): chr9:131,061,158, C>T. VCF-style: chr9-131061158-C-T. GRCh37 (hg19) VCF-style: chr9-133936545-C-T.
Other names: short protein forms S761L.
Identifiers: ClinVar variation 1203640 (VCV001203640.19), dbSNP rs376240028, ClinGen allele CA5287376.

ClinVar aggregate classification (germline): Uncertain significance. Review status: criteria provided, multiple submitters, no conflicts (2 of 4 stars). 4 submissions from 4 submitters: Uncertain significance (4). Last evaluated 2025-04-01.

Conditions:
Inborn genetic diseases. Identifiers: MedGen C0950123, MeSH D030342.

Allele frequency attached by ClinVar (database versions not stated): ExAC 0.00007; gnomAD exomes 0.00007 and 0.00013; gnomAD 0.00009 and 0.00010; TOPMed 0.00010; ESP Exome Variant Server 0.00015; 1000 Genomes Project 30x 0.00016; 1000 Genomes Project 0.00020.
gnomAD v4.1: 203 of 1,612,802 alleles (0.013%); highest among the groups gnomAD compares: Non-Finnish European, 0.015%; no homozygotes.

Submissions (4):

CeGaT Center for Human Genetics Tuebingen
Classification: Uncertain significance. Last evaluated: 2025-04-01. Review status: criteria provided, single submitter. Criteria: CeGaT Center For Human Genetics Tuebingen Variant Classification Criteria Version 2. Collection method: clinical testing. Allele origin: germline. Affected: yes. Observed: 1 variant allele.
Comment: LAMC3: PM2, BP4

Labcorp Genetics (formerly Invitae), Labcorp
Classification: Uncertain significance. Last evaluated: 2022-10-12. Review status: criteria provided, single submitter. Criteria: Invitae Variant Classification Sherloc (09022015). Collection method: clinical testing. Allele origin: germline.
Comment: This sequence change replaces serine, which is neutral and polar, with leucine, which is neutral and non-polar, at codon 761 of the LAMC3 protein (p.Ser761Leu). This variant is present in population databases (rs376240028, gnomAD 0.01%). This variant has not been reported in the literature in individuals affected with LAMC3-related conditions. ClinVar contains an entry for this variant (Variation ID: 1203640). Algorithms developed to predict the effect of missense changes on protein structure and function are either unavailable or do not agree on the potential impact of this missense change (SIFT: "Tolerated"; PolyPhen-2: "Probably Damaging"; Align-GVGD: "Class C25"). In summary, the available evidence is currently insufficient to determine the role of this variant in disease. Therefore, it has been classified as a Variant of Uncertain Significance.

Ambry Genetics
Classification: Uncertain significance for Inborn genetic diseases. Last evaluated: 2022-03-07. Review status: criteria provided, single submitter. Criteria: Ambry Variant Classification Scheme 2023. Collection method: clinical testing. Allele origin: germline.

GeneDx
Classification: Uncertain significance. Last evaluated: 2021-04-12. Review status: criteria provided, single submitter. Criteria: GeneDx Variant Classification Process June 2021. Collection method: clinical testing. Allele origin: germline. Affected: yes.
Comment: Not observed at a significant frequency in large population cohorts (Lek et al., 2016); In silico analysis supports that this missense variant has a deleterious effect on protein structure/function; Has not been previously published as pathogenic or benign to our knowledge

Literature cited by the submitters: PubMed 32321736 (cited by Ambry Genetics).